The following is an entry in ClinVar:

NM_198576.4(AGRN):c.298C>T (p.Pro100Ser)

Genes: AGRN (agrin; plus strand), LOC126805576 (P300/CBP strongly-dependent group 1 enhancer GRCh37_chr1:956772-957971; plus strand). Cytogenetic location: 1p36.33.
Variant type: single nucleotide variant.
Coding change: c.298C>T on transcript NM_198576.4 (MANE Select); coding-DNA position 298, C replaced by T.
Protein change: p.Pro100Ser; replaces proline 100 with serine.
Molecular consequence: missense variant.
Genome position (GRCh38, 1-based): chr1:1,022,297, C>T. VCF-style: chr1-1022297-C-T. GRCh37 (hg19) VCF-style: chr1-957677-C-T.
Other names: c.298C>T, p.Pro100Ser (NM_001305275.2); short protein forms P100S.
Identifiers: ClinVar variation 656507 (VCV000656507.7), dbSNP rs773486550, ClinGen allele CA337812767.

ClinVar aggregate classification (germline): Uncertain significance. Review status: criteria provided, multiple submitters, no conflicts (2 of 4 stars). 2 submissions from 2 submitters: Uncertain significance (2). Last evaluated 2022-08-23.

Conditions:
Inborn genetic diseases. Identifiers: MedGen C0950123, MeSH D030342.
Congenital myasthenic syndrome 8. Also called: MYASTHENIC SYNDROME, CONGENITAL, DUE TO AGRIN DEFICIENCY; Myasthenic syndrome, congenital, 8, with pre- and postsynaptic defects. Identifiers: Orphanet 590, MedGen C3808739, MONDO:0014052, OMIM 615120.

Allele frequency attached by ClinVar (database versions not stated): TOPMed 0.00001.
gnomAD v4.1: 2 of 1,613,322 alleles (0.00012%); highest among the groups gnomAD compares: Admixed American, 0.0017%; no homozygotes.

Submissions (2):

Labcorp Genetics (formerly Invitae), Labcorp
Classification: Uncertain significance for Congenital myasthenic syndrome 8. Last evaluated: 2022-08-23. Review status: criteria provided, single submitter. Criteria: Invitae Variant Classification Sherloc (09022015). Collection method: clinical testing. Allele origin: germline.
Comment: This sequence change replaces proline, which is neutral and non-polar, with serine, which is neutral and polar, at codon 100 of the AGRN protein (p.Pro100Ser). This variant is not present in population databases (gnomAD no frequency). This variant has not been reported in the literature in individuals affected with AGRN-related conditions. ClinVar contains an entry for this variant (Variation ID: 656507). Algorithms developed to predict the effect of missense changes on protein structure and function are either unavailable or do not agree on the potential impact of this missense change (SIFT: "Deleterious"; PolyPhen-2: "Possibly Damaging"; Align-GVGD: "Class C0"). In summary, the available evidence is currently insufficient to determine the role of this variant in disease. Therefore, it has been classified as a Variant of Uncertain Significance.

Ambry Genetics
Classification: Uncertain significance for Inborn genetic diseases. Last evaluated: 2021-06-11. Review status: criteria provided, single submitter. Criteria: Ambry Variant Classification Scheme 2023. Collection method: clinical testing. Allele origin: germline.